The following is an entry in ClinVar:

NM_001040108.2(MLH3):c.1943A>G (p.His648Arg)

Gene: MLH3 (mutL homolog 3; minus strand). Cytogenetic location: 14q24.3.
Variant type: single nucleotide variant.
Coding change: c.1943A>G on transcript NM_001040108.2 (MANE Select); coding-DNA position 1943, A replaced by G.
Protein change: p.His648Arg; replaces histidine 648 with arginine.
Molecular consequence: missense variant.
Genome position (GRCh38, 1-based): chr14:75,047,713, T>C on the plus strand (A>G on the coding strand, the complement: MLH3 is on the minus strand). VCF-style: chr14-75047713-T-C. GRCh37 (hg19) VCF-style: chr14-75514416-T-C.
Other names: c.1943A>G, p.His648Arg (NM_014381.3); short protein forms H648R.
Identifiers: ClinVar variation 1491774 (VCV001491774.10), dbSNP rs746239378, ClinGen allele CA7275790.

ClinVar aggregate classification (germline): Uncertain significance. Review status: criteria provided, multiple submitters, no conflicts (2 of 4 stars). 2 submissions from 2 submitters: Uncertain significance (2). Last evaluated 2025-03-03.

Conditions:
Colorectal cancer, hereditary nonpolyposis, type 7. Identifiers: Orphanet 144, MedGen C1858380, MONDO:0013725, OMIM 614385.

Allele frequency attached by ClinVar (database versions not stated): gnomAD 0.00001; TOPMed 0.00001; ExAC 0.00002; gnomAD exomes 0.00002.
gnomAD v4.1: 2 of 1,614,188 alleles (0.00012%); highest among the groups gnomAD compares: East Asian, 0.0022%; no homozygotes.

Submissions (2):

Ambry Genetics
Classification: Uncertain significance. Last evaluated: 2025-03-03. Review status: criteria provided, single submitter. Criteria: Ambry Variant Classification Scheme 2023. Collection method: clinical testing. Allele origin: germline.
Comment: The p.H648R variant (also known as c.1943A>G), located in coding exon 1 of the MLH3 gene, results from an A to G substitution at nucleotide position 1943. The histidine at codon 648 is replaced by arginine, an amino acid with highly similar properties. This amino acid position is poorly conserved in available vertebrate species. In addition, this alteration is predicted to be tolerated by in silico analysis. Since supporting evidence is limited at this time, the clinical significance of this alteration remains unclear.

Labcorp Genetics (formerly Invitae), Labcorp
Classification: Uncertain significance for Colorectal cancer, hereditary nonpolyposis, type 7. Last evaluated: 2024-03-19. Review status: criteria provided, single submitter. Criteria: Invitae Variant Classification Sherloc (09022015). Collection method: clinical testing. Allele origin: germline.
Comment: This sequence change replaces histidine, which is basic and polar, with arginine, which is basic and polar, at codon 648 of the MLH3 protein (p.His648Arg). This variant is present in population databases (rs746239378, gnomAD 0.02%). This variant has not been reported in the literature in individuals affected with MLH3-related conditions. ClinVar contains an entry for this variant (Variation ID: 1491774). Algorithms developed to predict the effect of missense changes on protein structure and function output the following: SIFT: "Not Available"; PolyPhen-2: "Benign"; Align-GVGD: "Not Available". The arginine amino acid residue is found in multiple mammalian species, which suggests that this missense change does not adversely affect protein function. In summary, the available evidence is currently insufficient to determine the role of this variant in disease. Therefore, it has been classified as a Variant of Uncertain Significance.